The following is an entry in ClinVar:

ClinVar aggregate classification (germline): Uncertain significance (1 of 4 stars; one submission).

Submission:

Labcorp Genetics (formerly Invitae), Labcorp
Classification: Uncertain significance. Last evaluated: 2023-04-04. Review status: criteria provided, single submitter. Criteria: Invitae Variant Classification Sherloc (09022015). Collection method: clinical testing. Allele origin: germline.
Comment: In summary, the available evidence is currently insufficient to determine the role of this variant in disease. Therefore, it has been classified as a Variant of Uncertain Significance. Advanced modeling of protein sequence and biophysical properties (such as structural, functional, and spatial information, amino acid conservation, physicochemical variation, residue mobility, and thermodynamic stability) performed at Invitae indicates that this missense variant is not expected to disrupt POLE protein function. ClinVar contains an entry for this variant (Variation ID: 864202). This variant has not been reported in the literature in individuals affected with POLE-related conditions. This variant is not present in population databases (gnomAD no frequency). This sequence change replaces aspartic acid, which is acidic and polar, with glutamic acid, which is acidic and polar, at codon 787 of the POLE protein (p.Asp787Glu).

NM_006231.4(POLE):c.2361C>A (p.Asp787Glu)

Gene: POLE (DNA polymerase epsilon, catalytic subunit; minus strand). Cytogenetic location: 12q24.33.
Variant type: single nucleotide variant.
Coding change: c.2361C>A on transcript NM_006231.4 (MANE Select); coding-DNA position 2361, C replaced by A.
Protein change: p.Asp787Glu; replaces aspartic acid 787 with glutamic acid.
Molecular consequence: missense variant.
Genome position (GRCh38, 1-based): chr12:132,665,409, G>T on the plus strand (C>A on the coding strand, the complement: POLE is on the minus strand). VCF-style: chr12-132665409-G-T. GRCh37 (hg19) VCF-style: chr12-133241995-G-T.
Other names: short protein forms D787E.
Identifiers: ClinVar variation 864202 (VCV000864202.9), dbSNP rs1060504070, ClinGen allele CA387397714.
Genomic context (GRCh38, chr12:132,665,409, plus strand): 5'-GGCCAGCTGCAGCGAGTCATACAGCACCTCCATGTTCTTGCAGCGCTTCACCTCAGCCGC[G>T]TCGCCCACCTCCACGGCCGCCGAGAGCTTCTTTTTCCACACCTGAGAAGCACATGAACAT-3'
Protein context (NP_006222.2, residues 777-797): KKLSAAVEVG[Asp787Glu]AAEVKRCKNM